The following is an entry in ClinVar:

NM_025229.2(SEL1L2):c.1875C>T (p.Ala625=)

Gene: SEL1L2 (SEL1L2 adaptor subunit of SYVN1 ubiquitin ligase; minus strand). Cytogenetic location: 20p12.1.
Variant type: single nucleotide variant.
Coding change: c.1875C>T on transcript NM_025229.2 (MANE Select); coding-DNA position 1875, C replaced by T.
Protein change: p.Ala625=; no amino-acid change (alanine 625 retained).
Molecular consequence: synonymous variant. On other transcripts: non-coding transcript variant (2).
Genome position (GRCh38, 1-based): chr20:13,850,263, G>A on the plus strand (C>T on the coding strand, the complement: SEL1L2 is on the minus strand). VCF-style: chr20-13850263-G-A. GRCh37 (hg19) VCF-style: chr20-13830909-G-A.
Other names: c.1536C>T, p.Ala512= (NM_001271539.2); c.1143C>T, p.Ala381= (NM_001363752.2).
Identifiers: ClinVar variation 2652207 (VCV002652207.24), dbSNP rs552223044, ClinGen allele CA9768103.

ClinVar aggregate classification (germline): Likely benign (1 of 4 stars; one submission).

Allele frequency attached by ClinVar (database versions not stated): gnomAD 0.00007; ExAC 0.00016; 1000 Genomes Project 0.00020; 1000 Genomes Project 30x 0.00047; gnomAD exomes 0.00006.
gnomAD v4.1: 93 of 1,614,052 alleles (0.0058%); highest among the groups gnomAD compares: South Asian, 0.098%; no homozygotes.

Submission:

CeGaT Center for Human Genetics Tuebingen
Classification: Likely benign. Last evaluated: 2022-06-01. Review status: criteria provided, single submitter. Criteria: CeGaT Center For Human Genetics Tuebingen Variant Classification Criteria Version 2. Collection method: clinical testing. Allele origin: germline. Affected: yes. Observed: 1 variant allele.
Comment: SEL1L2: BP4, BP7